The following is an entry in ClinVar:

ClinVar aggregate classification (germline): Benign. Review status: criteria provided, multiple submitters, no conflicts (2 of 4 stars). 3 submissions from 3 submitters: Benign (2). 1 of the submissions does not count toward it. Last evaluated 2021-03-30.

Conditions:
NLRP5-related disorder. Also called: NLRP5-related condition.

Allele frequency attached by ClinVar (database versions not stated): 1000 Genomes Project 0.34744; gnomAD 0.37680 and 0.37179; TOPMed 0.35920; 1000 Genomes Project 30x 0.33666; ESP Exome Variant Server 0.36446; ExAC 0.43530; gnomAD exomes 0.43610 and 0.46158.
gnomAD v4.1: 729,704 of 1,613,132 alleles (45%); highest among the groups gnomAD compares: South Asian, 52%; 168,759 homozygotes.

Submissions (3):

GeneDx
Classification: Benign. Last evaluated: 2021-03-30. Review status: criteria provided, single submitter. Criteria: GeneDx Variant Classification Process June 2021. Collection method: clinical testing. Allele origin: germline. Affected: yes.

Breakthrough Genomics
Classification: Benign. Review status: criteria provided, single submitter. Criteria: ACMG Guidelines, 2015. Collection method: not provided. Allele origin: germline. Inheritance: Unknown mechanism. Affected: yes.

PreventionGenetics, part of Exact Sciences
Classification: Benign for NLRP5-related condition. Last evaluated: 2019-10-17. Review status: no assertion criteria provided. Collection method: clinical testing. Allele origin: germline. Not counted in ClinVar's aggregate classification.
Comment: This variant is classified as benign based on ACMG/AMP sequence variant interpretation guidelines (Richards et al. 2015 PMID: 25741868, with internal and published modifications).

NM_001433705.1(NLRP5):c.1488C>T (p.Asp496=)

Gene: NLRP5 (NLR family pyrin domain containing 5; plus strand). Cytogenetic location: 19q13.43.
Variant type: single nucleotide variant.
Coding change: c.1488C>T on transcript NM_001433705.1 (MANE Select); coding-DNA position 1488, C replaced by T.
Protein change: p.Asp496=; no amino-acid change (aspartic acid 496 retained).
Molecular consequence: synonymous variant.
Genome position (GRCh38, 1-based): chr19:56,027,874, C>T. VCF-style: chr19-56027874-C-T. GRCh37 (hg19) VCF-style: chr19-56539240-C-T.
Other names: NM_153447.4:c.1641C>T.
Identifiers: ClinVar variation 1276584 (VCV001276584.4), dbSNP rs397977, ClinGen allele CA9685623.
Genomic context (GRCh38, chr19:56,027,874, plus strand): 5'-CCTGAAGCGCTTCTGCCGTATGGCTGTGGAGGGAGTGTGGAATAGGAAGTCAGTGTTTGA[C>T]GGTGACGACCTCATGGTTCAAGGACTCGGGGAGTCTGAGCTCCGTGCTCTGTTTCACATG-3'
Protein context (NP_001420634.1, residues 486-506): EGVWNRKSVF[Asp496=]GDDLMVQGLG